The following is an entry in ClinVar:

NM_001080517.3(SETD5):c.389-3C>T

Gene: SETD5 (SET domain containing 5; plus strand). Cytogenetic location: 3p25.3.
Variant type: single nucleotide variant.
Coding change: c.389-3C>T on transcript NM_001080517.3 (MANE Select); 3 bases into the intron before coding-DNA position 389, C replaced by T.
Molecular consequence: intron variant.
Genome position (GRCh38, 1-based): chr3:9,435,725, C>T. VCF-style: chr3-9435725-C-T. GRCh37 (hg19) VCF-style: chr3-9477409-C-T.
Other names: c.389-3C>T (NM_001437643.1, NM_001437701.1); c.56-3C>T (NM_001349451.2, NM_001292043.2); c.446-3C>T (NM_001437633.1, NM_001437635.1).
Identifiers: ClinVar variation 4777296 (VCV004777296.1).

ClinVar aggregate classification (germline): Uncertain significance (1 of 4 stars; one submission).

Submission:

Labcorp Genetics (formerly Invitae), Labcorp
Classification: Uncertain significance. Last evaluated: 2025-12-01. Review status: criteria provided, single submitter. Criteria: Invitae Variant Classification Sherloc (09022015). Collection method: clinical testing. Allele origin: germline.
Comment: This sequence change falls in intron 6 of the SETD5 gene. It does not directly change the encoded amino acid sequence of the SETD5 protein. It affects a nucleotide within the consensus splice site. This variant is present in population databases (rs762053113, gnomAD 0.01%). This variant has not been reported in the literature in individuals affected with SETD5-related conditions. Variants that disrupt the consensus splice site are a relatively common cause of aberrant splicing (PMID: 17576681, 9536098). Algorithms developed to predict the effect of sequence changes on RNA splicing suggest that this variant is not likely to affect RNA splicing. In summary, the available evidence is currently insufficient to determine the role of this variant in disease. Therefore, it has been classified as a Variant of Uncertain Significance.

Literature cited by the submitters: PubMed 17576681; PubMed 9536098.